The following is an entry in ClinVar:

ClinVar aggregate classification (germline): Uncertain significance (1 of 4 stars; one submission).

Conditions:
Ataxia-telangiectasia syndrome (AT). Also called: Ataxia-telangiectasia, complementation group D; AT, COMPLEMENTATION GROUP C; ATAXIA-TELANGIECTASIA, COMPLEMENTATION GROUP A; ATAXIA-TELANGIECTASIA, FRESNO VARIANT; Ataxia-telangiectasia; Ataxia-telangiectasia, complementation group E. Identifiers: Orphanet 100, MedGen C0004135, MONDO:0008840, OMIM 208900.

Submission:

Labcorp Genetics (formerly Invitae), Labcorp
Classification: Uncertain significance for Ataxia-telangiectasia syndrome. Last evaluated: 2025-05-27. Review status: criteria provided, single submitter. Criteria: Invitae Variant Classification Sherloc (09022015). Collection method: clinical testing. Allele origin: germline.
Comment: This variant, c.5836_5838del, results in the deletion of 1 amino acid(s) of the ATM protein (p.Gln1946del), but otherwise preserves the integrity of the reading frame. This variant is not present in population databases (gnomAD no frequency). This variant has not been reported in the literature in individuals affected with ATM-related conditions. Experimental studies and prediction algorithms are not available or were not evaluated, and the functional significance of this variant is currently unknown. In summary, the available evidence is currently insufficient to determine the role of this variant in disease. Therefore, it has been classified as a Variant of Uncertain Significance.

NM_000051.4(ATM):c.5836_5838del (p.Gln1946del)

Genes: ATM (ATM serine/threonine kinase; plus strand), C11orf65 (chromosome 11 open reading frame 65; minus strand). Cytogenetic location: 11q22.3.
Variant type: Deletion.
Coding change: c.5836_5838del on transcript NM_000051.4 (MANE Select); coding-DNA positions 5836 to 5838, 3 bases deleted (CAG; older notation c.5836_5838delCAG).
Protein change: p.Gln1946del; deletes glutamine 1946.
Molecular consequence: inframe deletion. On other transcripts: intron variant (2).
Genome position (GRCh38, 1-based): chr11:108,310,233-108,310,235, CAG deleted. VCF-style (leftmost placement, unchanged base first): chr11-108310232-TCAG-T. GRCh37 (hg19) VCF-style: chr11-108180959-TCAG-T.
Other names: c.5836_5838del, p.Gln1946del (NM_001351834.2); c.641-1164_641-1162del (NM_001330368.2); c.*39-1164_*39-1162del (NM_001351110.2); short protein forms Q1946del.
Identifiers: ClinVar variation 4720306 (VCV004720306.1).
Genomic context (GRCh38, chr11:108,310,232, plus strand): 5'-AACAATTTTTAATGATGCTTTCTGGCTGGATTTAAATTATCTAGAAGTTGCCAAGGTAGC[TCAG>T]TCTTGTGCTGCTCACTTTACAGCTTTACTCTATGCAGAAATCTATGCAGATAAGAAAAGT-3'